The following is an entry in ClinVar:

ClinVar aggregate classification (germline): Uncertain significance. Review status: criteria provided, multiple submitters, no conflicts (2 of 4 stars). 3 submissions from 3 submitters: Uncertain significance (3). Last evaluated 2024-08-13.

Conditions:
Cardiomyopathy (CMYO). Also called: Cardiomyopathies. Identifiers: Orphanet 167848, MedGen C0878544, MONDO:0004994, HP:0001638. Inheritance: Various modes of inheritance.
Arrhythmogenic cardiomyopathy with wooly hair and keratoderma. Also called: PALMOPLANTAR KERATODERMA WITH LEFT VENTRICULAR CARDIOMYOPATHY AND WOOLLY HAIR; Arrhythmogenic cardiomyopathy with woolly hair and keratoderma; Dilated cardiomyopathy with woolly hair and keratoderma; Carvajal syndrome. Identifiers: Orphanet 65282, MedGen C1854063, MONDO:0011581, OMIM 605676.

Submissions (3):

All of Us Research Program, National Institutes of Health
Classification: Uncertain significance for Arrhythmogenic cardiomyopathy with wooly hair and keratoderma. Last evaluated: 2024-08-13. Review status: criteria provided, single submitter. Criteria: ACMG Guidelines, 2015. Collection method: clinical testing. Allele origin: germline. Inheritance: Autosomal dominant inheritance. Observed: 1 variant allele, 1 heterozygote.
Comment: This missense variant replaces histidine with tyrosine at codon 221 of the DSP protein. Computational prediction suggests that this variant may have deleterious impact on protein structure and function (internally defined REVEL score threshold >= 0.7, PMID: 27666373). To our knowledge, functional studies have not been reported for this variant. This variant has not been reported in individuals affected with DSP-related disorders in the literature. This variant has not been identified in the general population by the Genome Aggregation Database (gnomAD). The available evidence is insufficient to determine the role of this variant in disease conclusively. Therefore, this variant is classified as a Variant of Uncertain Significance.

This study involves interpretation of variants in research participants for the purpose of population health screening. Participant phenotype was not available at the time of variant classification. Additional details can be found in publication PMID: 35346344, PMCID: PMC8962531

Color Diagnostics, LLC DBA Color Health
Classification: Uncertain significance for Cardiomyopathy. Last evaluated: 2024-07-23. Review status: criteria provided, single submitter. Criteria: ACMG Guidelines, 2015. Collection method: clinical testing. Allele origin: germline.
Comment: This missense variant replaces histidine with tyrosine at codon 221 of the DSP protein. Computational prediction suggests that this variant may have deleterious impact on protein structure and function. To our knowledge, functional studies have not been reported for this variant. This variant has not been reported in individuals affected with DSP-related disorders in the literature. This variant has not been identified in the general population by the Genome Aggregation Database (gnomAD). The available evidence is insufficient to determine the role of this variant in disease conclusively. Therefore, this variant is classified as a Variant of Uncertain Significance.

GeneDx
Classification: Uncertain significance. Last evaluated: 2023-03-10. Review status: criteria provided, single submitter. Criteria: GeneDx Variant Classification Process June 2021. Collection method: clinical testing. Allele origin: germline. Affected: yes.
Comment: Not observed at significant frequency in large population cohorts (gnomAD); In silico analysis supports that this missense variant has a deleterious effect on protein structure/function; Has not been previously published as pathogenic or benign to our knowledge

NM_004415.4(DSP):c.661C>T (p.His221Tyr)

Gene: DSP (desmoplakin; plus strand). Cytogenetic location: 6p24.3.
Variant type: single nucleotide variant.
Coding change: c.661C>T on transcript NM_004415.4 (MANE Select); coding-DNA position 661, C replaced by T.
Protein change: p.His221Tyr; replaces histidine 221 with tyrosine.
Molecular consequence: missense variant.
Genome position (GRCh38, 1-based): chr6:7,562,715, C>T. VCF-style: chr6-7562715-C-T. GRCh37 (hg19) VCF-style: chr6-7562948-C-T.
Other names: c.661C>T, p.His221Tyr (NM_001008844.3, NM_001319034.2, NM_001406591.1); short protein forms H221Y.
Identifiers: ClinVar variation 2443595 (VCV002443595.3), dbSNP rs2533863445, ClinGen allele CA362673504.